The following is an entry in ClinVar:

ClinVar aggregate classification (germline): Uncertain significance (1 of 4 stars; one submission).

Submission:

GeneDx
Classification: Uncertain significance. Last evaluated: 2025-03-25. Review status: criteria provided, single submitter. Criteria: GeneDx Variant Classification Process June 2021. Collection method: clinical testing. Allele origin: germline. Affected: yes.
Comment: Not observed at significant frequency in large population cohorts (gnomAD); In silico analysis supports that this missense variant has a deleterious effect on protein structure/function; Has not been previously published as pathogenic or benign to our knowledge

NM_003850.3(SUCLA2):c.340G>T (p.Gly114Cys)

Gene: SUCLA2 (succinate-CoA ligase ADP-forming subunit beta; minus strand). Cytogenetic location: 13q14.2.
Variant type: single nucleotide variant.
Coding change: c.340G>T on transcript NM_003850.3 (MANE Select); coding-DNA position 340, G replaced by T.
Protein change: p.Gly114Cys; replaces glycine 114 with cysteine.
Molecular consequence: missense variant.
Genome position (GRCh38, 1-based): chr13:47,988,913, C>A on the plus strand (G>T on the coding strand, the complement: SUCLA2 is on the minus strand). VCF-style: chr13-47988913-C-A. GRCh37 (hg19) VCF-style: chr13-48563048-C-A.
Other names: short protein forms G114C.
Identifiers: ClinVar variation 4088102 (VCV004088102.1).